The following continues an entry in ClinVar:

NM_000051.4(ATM):c.6679C>T (p.Arg2227Cys)

ClinVar aggregate classification (germline): Pathogenic/Likely pathogenic. Pathogenic (20); Likely pathogenic (1). ClinVar aggregate classification (oncogenicity): Likely oncogenic.

Submissions 11 to 23 of 27:

Molecular Genetics, Royal Melbourne Hospital
Classification: Pathogenic for Ataxia-telangiectasia syndrome. Last evaluated: 2023-06-06. Review status: criteria provided, single submitter. Criteria: ACMG Guidelines, 2015. Collection method: clinical testing. Allele origin: germline. Inheritance: Autosomal recessive inheritance. Affected: no.
Comment: This sequence change in ATM is predicted to replace arginine with cysteine at codon 2227, p.(Arg2227Cys). The arginine residue is highly conserved (93/95 vertebrates, UCSC), and is located in the FAT domain. There is a large physicochemical difference between arginine and cysteine. The highest population minor allele frequency in the population database gnomAD v3.1 is 0.005% (2/41,396 alleles) in the African/African American population. This variant has been detected in multiple individuals with a definitive diagnosis of ataxia-telangiectasia (A-T) in the homozygous state and compound heterozygous with a second pathogenic variant (PMID: 18634022, 28126470, 32548172). This variant has been reported heterozygous in multiple individuals with breast cancer (PMID: 30607632, 36119527). In vitro expression of the variant in an A-T (ATM null) cell line demonstrated failure-to-rescue target phosphorylation and intermediate radiosensitivity. Computational evidence predicts a deleterious effect for the missense substitution (REVEL = 0.854). Based on the classification scheme RMH Modified ACMG/AMP Guidelines v1.6.1, this variant is classified as PATHOGENIC. Following criteria are met: PM3_VeryStrong, PS3_Moderate, PP3.

Revvity Omics, Revvity
Classification: Pathogenic for Ataxia-telangiectasia syndrome. Last evaluated: 2023-03-17. Review status: criteria provided, single submitter. Criteria: ACMG Guidelines, 2015. Collection method: clinical testing. Allele origin: germline.

3billion
Classification: Pathogenic for Ataxia-telangiectasia syndrome. Last evaluated: 2022-09-01. Review status: criteria provided, single submitter. Criteria: ACMG Guidelines, 2015. Collection method: clinical testing. Allele origin: germline. Affected: yes. Observed: 1 homozygote.
Comment: The variant is not observed in the gnomAD v2.1.1 dataset. While this variant results in missense change, protein truncation variants are a common disease-causing mechanism. In silico tool predictions suggest damaging effect of the variant on gene or gene product (REVEL: 0.85; 3Cnet: 0.94). Same nucleotide change resulting in same amino acid change has been previously reported as pathogenic/likely pathogenic with strong evidence (ClinVar ID: VCV000181981). The variant has been reported to be in trans with a pathogenic variant as either compound heterozygous or homozygous in at least 2 similarly affected unrelated individuals (PMID: 16380133 , 18504682 , 19691550 , 22213089 , 23264026 , 23640770). A different missense change at the same codon (p.Arg2227Leu) has been reported to be associated with ATM-related disorder (PMID: 21665257). Therefore, this variant is classified as Pathogenic according to the recommendation of ACMG/AMP guideline.

Fulgent Genetics
Classification: Pathogenic for Familial cancer of breast; Ataxia-telangiectasia syndrome. Last evaluated: 2022-05-17. Review status: criteria provided, single submitter. Criteria: ACMG Guidelines, 2015. Collection method: clinical testing. Allele origin: unknown.

Genetic Services Laboratory, University of Chicago
Classification: Pathogenic. Last evaluated: 2021-11-29. Review status: criteria provided, single submitter. Criteria: ACMG Guidelines, 2015. Collection method: clinical testing. Allele origin: germline. Affected: yes.
Comment: DNA sequence analysis of the ATM gene demonstrated a sequence change, c.6679C>T, in exon 46 that results in an amino acid change, p.Arg2227Cys. This sequence change has not been described in population databases such as ExAC and gnomAD (db SNP rs564652222). The p.Arg2227Cys change affects a highly conserved amino acid residue located in a domain of the ATM protein that is known to be functional. The p.Arg2227Cys substitution appears to be deleterious using several in-silico pathogenicity prediction tools (SIFT, PolyPhen2, Align GVGD, REVEL). This pathogenic sequence change has previously been described in the compound heterozygous state in individuals with ataxia telangiectasia and in the heterozygous state in individuals with breast cancer (PMID: 12552559, 15843990, 16380133, 18504682, 19691550, 22213089, 23264026, 23640770, 28724467, 29335925, 30607632). Experimental studies have demonstrated that this sequence change impacts the function of the ATM protein (PMID: 18634022, 23640770). Collectively, these evidences indicate that this sequence change is pathogenic.

GeneDx
Classification: Pathogenic. Last evaluated: 2021-11-04. Review status: criteria provided, single submitter. Criteria: GeneDx Variant Classification Process June 2021. Collection method: clinical testing. Allele origin: germline. Affected: yes.
Comment: Identified in the single heterozygous state in individuals with breast cancer (Sun 2017); Published functional studies in patient cells demonstrate reduced ATM protein expression, reduced kinase activity, and increased radiosensitivity (Becker-Catania 2000, Mitui 2009, Meissner 2013, Fievet 2019); Not observed in large population cohorts (Lek et al., 2016); In silico analysis supports that this missense variant has a deleterious effect on protein structure/function; This variant is associated with the following publications: (PMID: 22213089, 22529920, 26681312, 15101044, 23264026, 25572163, 21665257, 18634022, 27479817, 19691550, 25480502, 23807571, 16380133, 23640770, 10873394, 9887333, 22927201, 26491069, 12552559, 10817650, 15843990, 28724667, 18504682, 29335925, 30322717, 31159747, 30607632, 31050087, 31921190, 23532176, 33436325, 32338768)

MGZ Medical Genetics Center
Classification: Pathogenic for Familial cancer of breast. Last evaluated: 2021-08-23. Review status: criteria provided, single submitter. Criteria: ACMG Guidelines, 2015. Collection method: clinical testing. Allele origin: germline. Affected: yes. Observed: 1 variant allele.
Comment: ACMG criteria applied: PS3, PS4, PM3, PM2_SUP, PP3

Women's Health and Genetics/Laboratory Corporation of America, LabCorp
Classification: Pathogenic for breast cancer. Last evaluated: 2020-08-11. Review status: criteria provided, single submitter. Criteria: LabCorp Variant Classification Summary - May 2015. Collection method: clinical testing. Allele origin: germline.
Comment: Variant summary: ATM c.6679C>T (p.Arg2227Cys) results in a non-conservative amino acid change located in the PIK-related kinase, FAT domain (IPR003151) of the encoded protein sequence. Five of five in-silico tools predict a damaging effect of the variant on protein function. The variant was absent in 251146 control chromosomes (gnomAD). c.6679C>T has been reported in the literature in multiple individuals in compound heterozygous state affected with ataxia-telangiectasia and Hodgkin disease (Gutierrez-Enriquez_2004, Mitui_2009, Meissner_2013). These data indicate that the variant is very likely to be associated with disease. Functional studies report this variant effect results in reducing ATM protein level, ATM kinase activity and shown as severe in radiation sensitivity (Mitui_2009, Meissner_2013). Eight ClinVar submitters (evaluation after 2014) cite the variant as pathogenic. Based on the evidence outlined above, the variant was classified as pathogenic.

Spanish ATM Cancer Susceptibility Variant Interpretation Working Group
Classification: Pathogenic for Hereditary cancer-predisposing syndrome. Last evaluated: 2020-06-17. Review status: criteria provided, single submitter. Criteria: Feliubadaló L et al. (Clin Chem 2021). Collection method: clinical testing. Allele origin: germline. Affected: yes. Observed: 1 heterozygote.
Comment: The c.6679C>T (p.Arg2227Cys) variant is variant is absent from the gnomAD v2.1.1 non-cancer dataset, in a position with adequate coverage (>20x) (PM2). This missense variant is not predicted to lead to a splicing alteration as per SPiCE predictor and although a cryptic acceptor site is activated according to SSF and MaxEnt (not NNSplice or GeneSplicer), it does not exceed the natural one. However, it alters the protein function / structure on the in-silico prediction reports of REVEL and PROVEAN (PP3). The variant has been detected in at least four ataxia telangiectasia probands (PS4; PMID: 9887333, 10873394, 12552559, 10817650). Lymphoblastoid cell lines of patients carrying this variant have been reported to have residual or absent ATM protein expression, no detectable ATM p.Ser1981 autophosphorylation, almost absent transphosphorylation activity on SMC1 p.Ser957/p.Ser966 and intermediate or severe radiosensitivity (PS3_Moderate; PMID: 10873394, 18634022). Moreover, there are 3 atypical ataxia-telangiectasia affected siblings in 1 family (compound heterozygotes) cosegregating with the variant (PP1; PMID: 23640770). Therefore, this variant meets criteria to be classified as pathogenic. Adapted ACMG/AMP rules applied as defined by the Spanish ATM working group: PM2 + PS4 + PP3 + PS3_Moderate + PP1 (PMID: 33280026).

GeneKor MSA
Classification: Pathogenic for Hereditary cancer-predisposing syndrome. Last evaluated: 2020-01-01. Review status: criteria provided, single submitter. Criteria: ACMG Guidelines, 2015. Collection method: clinical testing. Allele origin: germline. Affected: yes.
Comment: This is a single base substitution replacing the amino acid Arginine with Cysteine in the position 2227 of the ATM protein. This particular Arginine is highily conserved and located in a known functional domain, while the physiochemical difference between Arginine and Cysteine is high (Grantham Score 180). This finding is not present in population databases. The mutation database ClinVar contains an entry for this variant (Variation ID: 181981). Algorithms developed to estimate the effect of point mutations on the function and structure of the protein estimate that this change may affect the function or structure of the protein, which is confirmed by recent functional studies of the mutant protein where they showed decreased expression of ATM and reduced ATM kinase activity (PMID: 23640770, PMID: 18634022 ).

Blueprint Genetics
Classification: Pathogenic for ATM-related disorders. Last evaluated: 2018-12-21. Review status: criteria provided, single submitter. Criteria: ACMG Guidelines, 2015. Collection method: clinical testing. Allele origin: germline. Affected: yes. Observed: 1 variant allele.

Mendelics
Classification: Pathogenic for Ataxia-telangiectasia syndrome. Last evaluated: 2018-07-02. Review status: criteria provided, single submitter. Criteria: Mendelics Assertion Criteria 2017. Collection method: clinical testing. Allele origin: unknown.

Clinical Genetics DNA and cytogenetics Diagnostics Lab, Erasmus MC, Erasmus Medical Center
Classification: Likely pathogenic. Review status: no assertion criteria provided. Collection method: clinical testing. Allele origin: germline. Affected: yes. Study: VKGL Data-share Consensus. Not counted in ClinVar's aggregate classification.